The following is an entry in ClinVar:

NM_003742.4(ABCB11):c.1400T>C (p.Leu467Pro)

Gene: ABCB11 (ATP binding cassette subfamily B member 11; minus strand). Cytogenetic location: 2q31.1.
Variant type: single nucleotide variant.
Coding change: c.1400T>C on transcript NM_003742.4 (MANE Select); coding-DNA position 1400, T replaced by C.
Protein change: p.Leu467Pro; replaces leucine 467 with proline.
Molecular consequence: missense variant.
Genome position (GRCh38, 1-based): chr2:168,973,749, A>G on the plus strand (T>C on the coding strand, the complement: ABCB11 is on the minus strand). VCF-style: chr2-168973749-A-G. GRCh37 (hg19) VCF-style: chr2-169830259-A-G.
Other names: short protein forms L467P.
Identifiers: ClinVar variation 4990431 (VCV004990431.1).

ClinVar aggregate classification (germline): Uncertain significance (1 of 4 stars; one submission).

Conditions:
ABCB11-related disorder. Also called: ABCB11-related condition.

Submission:

PreventionGenetics, part of Exact Sciences
Classification: Uncertain significance for ABCB11-related condition. Last evaluated: 2026-03-10. Review status: criteria provided, single submitter. Criteria: ACMG Guidelines, 2015. Collection method: clinical testing. Allele origin: germline.
Comment: The ABCB11 c.1400T>C variant is predicted to result in the amino acid substitution p.Leu467Pro. To our knowledge, this variant has not been reported in the literature or in a large population database (gnomAD), indicating this variant is rare. At this time, the clinical significance of this variant is uncertain due to the absence of conclusive functional and genetic evidence.